The following is an entry in ClinVar:

ClinVar aggregate classification (germline): Uncertain significance. Review status: reviewed by expert panel (3 of 4 stars). 4 submissions from 4 submitters: Uncertain significance (1). 3 of the submissions do not count toward it. Last evaluated 2025-05-19.

Conditions:
Hereditary cancer-predisposing syndrome. Also called: Tumor predisposition; Hereditary neoplastic syndrome; Neoplastic Syndromes, Hereditary; Hereditary Cancer Syndrome. Identifiers: Orphanet 140162, MedGen C0027672, MeSH D009386, MONDO:0015356.
Classic or attenuated familial adenomatous polyposis. Identifiers: MedGen CN372698, MONDO:0021057.
Familial adenomatous polyposis 1 (FAP1). Also called: POLYPOSIS, ADENOMATOUS INTESTINAL; FAMILIAL ADENOMATOUS POLYPOSIS 1, ATTENUATED. Identifiers: MedGen C2713442, MONDO:0021056, OMIM 175100. Disease mechanism: loss of function.

Allele frequency attached by ClinVar (database versions not stated): TOPMed below 0.00001.

Submissions (4):

ClinGen InSiGHT Hereditary Colorectal Cancer/Polyposis Variant Curation Expert Panel
Classification: Uncertain significance for Classic or attenuated familial adenomatous polyposis. Last evaluated: 2025-05-19. Review status: reviewed by expert panel. Criteria: ClinGen InSiGHT HCCP VCEP ACMG Specifications APC V1. Collection method: curation. Allele origin: germline. Inheritance: Autosomal dominant inheritance.
Comment: The NM_000038.6(APC):c.8090C>G (p.Ser2697Ter) variant in APC is a nonsense variant located downstream of codon 2645, therefore PVS1 is not applicable based on the ACMG/AMP criteria specified by the ClinGen InSiGHT Hereditary Colorectal Cancer/Polyposis VCEP (HCCP VCEP). This variant is absent from gnomAD v2.1.1 (PM2_Supporting). The variant has been reported in one individual without a colorectal cancer/polyposis associated phenotype not meeting criteria for BS2 (BS2 not met, internal data Labcorp Genetics (formerly Invitae)). In summary, this variant is a variant of uncertain significance (VUS) for autosomal-dominant inherited FAP based on the ACMG/AMP criteria applied, as specified by the HCCP VCEP: criteria PM2_Supporting applied (VCEP specifications version v2.1.0; date of approval 11/24/2023).

Ambry Genetics
Classification: Likely pathogenic for Hereditary cancer-predisposing syndrome. Last evaluated: 2025-04-10. Review status: criteria provided, single submitter. Criteria: Ambry Variant Classification Scheme 2023. Collection method: clinical testing. Allele origin: germline. Not counted in ClinVar's aggregate classification.
Comment: The p.S2697* variant (also known as c.8090C>G), located in coding exon 15 of the APC gene, results from a C to G substitution at nucleotide position 8090. This changes the amino acid from a serine to a stop codon within coding exon 15. This alteration occurs at the 3' terminus of theAPC gene, is not expected to trigger nonsense-mediated mRNA decay, and impacts the last 5% of the protein. However, premature stop codons are typically deleterious in nature and a significant portion of the protein is affected (Ambry internal data). This variant is considered to be rare based on population cohorts in the Genome Aggregation Database (gnomAD). Based on the majority of available evidence to date, this variant is likely to be pathogenic.

Labcorp Genetics (formerly Invitae), Labcorp
Classification: Uncertain significance for Familial adenomatous polyposis 1. Last evaluated: 2023-11-10. Review status: criteria provided, single submitter. Criteria: Invitae Variant Classification Sherloc (09022015). Collection method: clinical testing. Allele origin: germline. Not counted in ClinVar's aggregate classification.
Comment: This sequence change creates a premature translational stop signal (p.Ser2697*) in the APC gene. While this is not anticipated to result in nonsense mediated decay, it is expected to disrupt the last 147 amino acid(s) of the APC protein. This variant is not present in population databases (gnomAD no frequency). This variant has not been reported in the literature in individuals affected with APC-related conditions. Experimental studies and prediction algorithms are not available or were not evaluated, and the functional significance of this variant is currently unknown. In summary, the available evidence is currently insufficient to determine the role of this variant in disease. Therefore, it has been classified as a Variant of Uncertain Significance.

Myriad Genetics, Inc.
Classification: Pathogenic for Familial adenomatous polyposis 1. Last evaluated: 2023-05-16. Review status: criteria provided, single submitter. Criteria: Myriad Autosomal Dominant, Autosomal Recessive and X-Linked Classification Criteria (2023). Collection method: clinical testing. Allele origin: unknown. Not counted in ClinVar's aggregate classification.
Comment: This variant is considered pathogenic. This variant creates a termination codon and is predicted to result in premature protein truncation.

NM_000038.6(APC):c.8090C>G (p.Ser2697Ter)

Gene: APC (APC regulator of Wnt signaling pathway; plus strand). Cytogenetic location: 5q22.2.
Variant type: single nucleotide variant.
Coding change: c.8090C>G on transcript NM_000038.6 (MANE Select); coding-DNA position 8090, C replaced by G.
Protein change: p.Ser2697Ter; replaces serine 2697 with a stop codon.
Molecular consequence: nonsense. On other transcripts: non-coding transcript variant (2).
Genome position (GRCh38, 1-based): chr5:112,843,684, C>G. VCF-style: chr5-112843684-C-G. GRCh37 (hg19) VCF-style: chr5-112179381-C-G.
Other names: NM_000038.6(APC):c.8090C>G; p.Ser2697Ter; c.8090C>G (NM_000038.5); c.8090C>G, p.Ser2697Ter (NM_001127510.3, NM_001354895.2, NM_001407450.1); c.8036C>G, p.Ser2679Ter (NM_001127511.3); c.8144C>G, p.Ser2715Ter (NM_001354896.2, NM_001407447.1, NM_001407448.1 and 1 more transcripts); c.8120C>G, p.Ser2707Ter (NM_001354897.2); c.8015C>G, p.Ser2672Ter (NM_001354898.2); and 14 more; short protein forms S2313*, S2414*, S2537*, S2568*, S2571*, S2596*, S2606*, S2614*.
Identifiers: ClinVar variation 2583432 (VCV002583432.5), dbSNP rs1253561626, ClinGen allele CA16038900.
Genomic context (GRCh38, chr5:112,843,684, plus strand): 5'-GTAATACTCCCCCGGTGATTGACAGTGTTTCAGAAAAGGCAAATCCAAACATTAAAGATT[C>G]AAAAGATAATCAGGCAAAACAAAATGTGGGTAATGGCAGTGTTCCCATGCGTACCGTGGG-3'